The following is an entry in ClinVar:

ClinVar aggregate classification (germline): Uncertain significance. Review status: criteria provided, multiple submitters, no conflicts (2 of 4 stars). 2 submissions from 2 submitters: Uncertain significance (2). Last evaluated 2025-06-24.

Allele frequency attached by ClinVar (database versions not stated): gnomAD exomes 0.00001; TOPMed 0.00001.
gnomAD v4.1: 9 of 1,614,182 alleles (0.00056%); highest among the groups gnomAD compares: Middle Eastern, 0.017%; no homozygotes.

Submissions (2):

Labcorp Genetics (formerly Invitae), Labcorp
Classification: Uncertain significance. Last evaluated: 2025-06-24. Review status: criteria provided, single submitter. Criteria: Invitae Variant Classification Sherloc (09022015). Collection method: clinical testing. Allele origin: germline.
Comment: This sequence change replaces glutamine, which is neutral and polar, with histidine, which is basic and polar, at codon 71 of the LRP5 protein (p.Gln71His). This variant is present in population databases (no rsID available, gnomAD 0.003%). This variant has not been reported in the literature in individuals affected with LRP5-related conditions. ClinVar contains an entry for this variant (Variation ID: 835386). Invitae Evidence Modeling of protein sequence and biophysical properties (such as structural, functional, and spatial information, amino acid conservation, physicochemical variation, residue mobility, and thermodynamic stability) indicates that this missense variant is not expected to disrupt LRP5 protein function with a negative predictive value of 95%. In summary, the available evidence is currently insufficient to determine the role of this variant in disease. Therefore, it has been classified as a Variant of Uncertain Significance.

GeneDx
Classification: Uncertain significance. Last evaluated: 2023-11-16. Review status: criteria provided, single submitter. Criteria: GeneDx Variant Classification Process June 2021. Collection method: clinical testing. Allele origin: germline. Affected: yes.
Comment: In silico analysis supports that this missense variant does not alter protein structure/function; Has not been previously published as pathogenic or benign to our knowledge

NM_002335.4(LRP5):c.213G>C (p.Gln71His)

Gene: LRP5 (LDL receptor related protein 5; plus strand). Cytogenetic location: 11q13.2.
Variant type: single nucleotide variant.
Coding change: c.213G>C on transcript NM_002335.4 (MANE Select); coding-DNA position 213, G replaced by C.
Protein change: p.Gln71His; replaces glutamine 71 with histidine.
Molecular consequence: missense variant. On other transcripts: 5 prime UTR variant (1).
Genome position (GRCh38, 1-based): chr11:68,347,968, G>C. VCF-style: chr11-68347968-G-C. GRCh37 (hg19) VCF-style: chr11-68115436-G-C.
Other names: c.213G>C (NM_002335.2); c.-1553G>C (NM_001291902.2); short protein forms Q71H.
Identifiers: ClinVar variation 835386 (VCV000835386.10), dbSNP rs1242896791, ClinGen allele CA381610297.